The following is an entry in ClinVar:

ClinVar aggregate classification (germline): Conflicting classifications of pathogenicity. Review status: criteria provided, conflicting classifications (1 of 4 stars). 6 submissions from 6 submitters: Uncertain significance (2); Benign (1); Likely benign (3). Last evaluated 2026-01-01.

Conditions:
Inborn genetic diseases. Identifiers: MedGen C0950123, MeSH D030342.

Allele frequency attached by ClinVar (database versions not stated): 1000 Genomes Project 0.00020; ESP Exome Variant Server 0.00024; gnomAD 0.00028 and 0.00029; 1000 Genomes Project 30x 0.00031; TOPMed 0.00033; ExAC 0.00048.
gnomAD v4.1: 424 of 1,614,102 alleles (0.026%); highest among the groups gnomAD compares: South Asian, 0.1%; 1 homozygote.

Submissions (6):

CeGaT Center for Human Genetics Tuebingen
Classification: Benign. Last evaluated: 2026-01-01. Review status: criteria provided, single submitter. Criteria: CeGaT Center For Human Genetics Tuebingen Variant Classification Criteria Version 2. Collection method: clinical testing. Allele origin: germline. Affected: yes. Observed: 3 variant alleles.
Comment: DSPP: BP4, BS1, BS2

Labcorp Genetics (formerly Invitae), Labcorp
Classification: Likely benign. Last evaluated: 2025-08-11. Review status: criteria provided, single submitter. Criteria: Invitae Variant Classification Sherloc (09022015). Collection method: clinical testing. Allele origin: germline.

Blueprint Genetics
Classification: Likely benign. Last evaluated: 2024-09-02. Review status: criteria provided, single submitter. Criteria: ACMG Guidelines, 2015. Collection method: clinical testing. Allele origin: germline.

Ambry Genetics
Classification: Uncertain significance for Inborn genetic diseases. Last evaluated: 2021-09-27. Review status: criteria provided, single submitter. Criteria: Ambry Variant Classification Scheme 2023. Collection method: clinical testing. Allele origin: germline.

GeneDx
Classification: Likely benign. Last evaluated: 2020-12-22. Review status: criteria provided, single submitter. Criteria: GeneDx Variant Classification Process June 2021. Collection method: clinical testing. Allele origin: germline. Affected: yes.

Revvity Omics, Revvity
Classification: Uncertain significance. Last evaluated: 2019-05-23. Review status: criteria provided, single submitter. Criteria: ACMG Guidelines, 2015. Collection method: clinical testing. Allele origin: germline.

NM_014208.3(DSPP):c.368G>C (p.Gly123Ala)

Genes: DMP1-AS1 (DMP1 and DSPP antisense RNA 1; minus strand), DSPP (dentin sialophosphoprotein; plus strand). Cytogenetic location: 4q22.1.
Variant type: single nucleotide variant.
Coding change: c.368G>C on transcript NM_014208.3 (MANE Select); coding-DNA position 368, G replaced by C.
Protein change: p.Gly123Ala; replaces glycine 123 with alanine.
Molecular consequence: missense variant.
Genome position (GRCh38, 1-based): chr4:87,612,554, G>C. VCF-style: chr4-87612554-G-C. GRCh37 (hg19) VCF-style: chr4-88533706-G-C.
Other names: short protein forms G123A.
Identifiers: ClinVar variation 740777 (VCV000740777.39), dbSNP rs199683760, ClinGen allele CA3000883.